The following is an entry in ClinVar:

ClinVar aggregate classification (germline): Likely pathogenic (1 of 4 stars; one submission).

Conditions:
Progressive familial intrahepatic cholestasis type 2. Identifiers: Orphanet 79304, MedGen C3489789, MONDO:0011156, OMIM 601847.

Submission:

Natera, Inc.
Classification: Likely pathogenic for Progressive familial intrahepatic cholestasis type 2. Last evaluated: 2025-07-17. Review status: criteria provided, single submitter. Criteria: Natera Variant Classification Schema (03/2026). Collection method: clinical testing. Allele origin: germline.
Comment: The c.3877del variant in ABCB11 is a frameshift variant predicted to shift the reading frame beginning at codon 1293 and leads to a stop codon 2 codons downstream. This variant is expected to result in nonsense mediated decay, truncation, or a dysfunctional protein product. This variant is rare in the general population with a frequency below the threshold expected for the associated phenotype(s). Given the available evidence, this variant is classified as Likely Pathogenic.

NM_003742.4(ABCB11):c.3877del (p.Val1293fs)

Gene: ABCB11 (ATP binding cassette subfamily B member 11; minus strand). Cytogenetic location: 2q31.1.
Variant type: Deletion.
Coding change: c.3877del on transcript NM_003742.4 (MANE Select); coding-DNA position 3877, one base deleted (G; older notation c.3877delG).
Protein change: p.Val1293fs; shifts the reading frame from valine 1293.
Molecular consequence: frameshift variant.
Genome position (GRCh38, 1-based): chr2:168,923,711, C deleted on the plus strand (G on the coding strand, the reverse complement: ABCB11 is on the minus strand); the first of 5 consecutive C bases (chr2:168,923,711-168,923,715); deleting any one gives the same sequence. VCF-style (leftmost placement, unchanged base first): chr2-168923710-AC-A. GRCh37 (hg19) VCF-style: chr2-169780220-AC-A.
Other names: short protein forms V1293fs.
Identifiers: ClinVar variation 4815280 (VCV004815280.1).